The following is an entry in ClinVar:

ClinVar aggregate classification (germline): Conflicting classifications of pathogenicity. Review status: criteria provided, conflicting classifications (1 of 4 stars). 6 submissions from 6 submitters: Uncertain significance (3); Likely benign (2). 1 of the submissions does not count toward it. Last evaluated 2025-12-22.

Conditions:
MARS1-related disorder. Also called: MARS1-related condition.
Severe early-onset pulmonary alveolar proteinosis due to MARS deficiency. Also called: PULMONARY ALVEOLAR PROTEINOSIS, REUNION ISLAND; Interstitial lung and liver disease. Identifiers: Orphanet 440427, MedGen C4225400, MONDO:0014206, OMIM 615486.
Charcot-Marie-Tooth disease axonal type 2U. Also called: CHARCOT-MARIE-TOOTH NEUROPATHY, TYPE 2U; CHARCOT-MARIE-TOOTH DISEASE, AXONAL, AUTOSOMAL DOMINANT, TYPE 2U. Identifiers: Orphanet 397735, MedGen C4084821, MONDO:0014566, OMIM 616280.

Allele frequency attached by ClinVar (database versions not stated): ExAC 0.00020; gnomAD 0.00060 and 0.00070; gnomAD exomes 0.00017 and 0.00006; TOPMed 0.00071; ESP Exome Variant Server 0.00031.
gnomAD v4.1: 186 of 1,597,112 alleles (0.012%); highest among the groups gnomAD compares: African/African-American, 0.18%; no homozygotes.

Submissions (6):

Labcorp Genetics (formerly Invitae), Labcorp
Classification: Likely benign for Charcot-Marie-Tooth disease axonal type 2U; Severe early-onset pulmonary alveolar proteinosis due to MARS deficiency. Last evaluated: 2025-12-22. Review status: criteria provided, single submitter. Criteria: Invitae Variant Classification Sherloc (09022015). Collection method: clinical testing. Allele origin: germline.

Greenwood Genetic Center Diagnostic Laboratories, Greenwood Genetic Center
Classification: Uncertain significance. Last evaluated: 2024-12-18. Review status: criteria provided, single submitter. Criteria: ACMG Guidelines, 2015. Collection method: clinical testing. Allele origin: germline. Affected: yes.
Comment: PM3_Supporting, BP4

GeneDx
Classification: Uncertain significance. Last evaluated: 2023-06-15. Review status: criteria provided, single submitter. Criteria: GeneDx Variant Classification Process June 2021. Collection method: clinical testing. Allele origin: germline. Affected: yes.
Comment: In silico analysis, which includes protein predictors and evolutionary conservation, supports that this variant does not alter protein structure/function; Identified in an individual with hereditary spastic paraplegia, but segregation information was not provided (Panwala et al., 2022); This variant is associated with the following publications: (PMID: 35303589)

Revvity Omics, Revvity
Classification: Uncertain significance. Last evaluated: 2021-07-13. Review status: criteria provided, single submitter. Criteria: ACMG Guidelines, 2015. Collection method: clinical testing. Allele origin: germline.

Ambry Genetics
Classification: Likely benign. Last evaluated: 2019-10-30. Review status: criteria provided, single submitter. Criteria: Ambry Variant Classification Scheme 2023. Collection method: clinical testing. Allele origin: germline.

PreventionGenetics, part of Exact Sciences
Classification: Likely benign for MARS1-related condition. Last evaluated: 2022-04-18. Review status: no assertion criteria provided. Collection method: clinical testing. Allele origin: germline. Not counted in ClinVar's aggregate classification.
Comment: This variant is classified as likely benign based on ACMG/AMP sequence variant interpretation guidelines (Richards et al. 2015 PMID: 25741868, with internal and published modifications).

NM_004990.4(MARS1):c.2671C>T (p.Pro891Ser)

Gene: MARS1 (methionyl-tRNA synthetase 1; plus strand). Cytogenetic location: 12q13.3.
Variant type: single nucleotide variant.
Coding change: c.2671C>T on transcript NM_004990.4 (MANE Select); coding-DNA position 2671, C replaced by T.
Protein change: p.Pro891Ser; replaces proline 891 with serine.
Molecular consequence: missense variant.
Genome position (GRCh38, 1-based): chr12:57,516,549, C>T. VCF-style: chr12-57516549-C-T. GRCh37 (hg19) VCF-style: chr12-57910332-C-T.
Other names: short protein forms P891S.
Identifiers: ClinVar variation 542174 (VCV000542174.23), dbSNP rs35843015, ClinGen allele CA6650919.
Genomic context (GRCh38, chr12:57,516,549, plus strand): 5'-GCGGAGGTGGCGAAACTCTTGGATCTAAAGAAACAGTTGGCTGTAGCTGAGGGGAAACCC[C>T]CTGAAGCCCCTAAAGGCAAGAAGAAAAAGTAAAAGACCTTGGCTCATAGAAAGTCACTTT-3'
Protein context (NP_004981.2, residues 881-900): KQLAVAEGKP[Pro891Ser]EAPKGKKKK